The following is an entry in ClinVar:

NM_000548.5(TSC2):c.4368C>G (p.Leu1456=)

Gene: TSC2 (TSC complex subunit 2; plus strand). Cytogenetic location: 16p13.3.
Variant type: single nucleotide variant.
Coding change: c.4368C>G on transcript NM_000548.5 (MANE Select); coding-DNA position 4368, C replaced by G.
Protein change: p.Leu1456=; no amino-acid change (leucine 1456 retained).
Molecular consequence: synonymous variant. On other transcripts: non-coding transcript variant (5).
Genome position (GRCh38, 1-based): chr16:2,084,590, C>G. VCF-style: chr16-2084590-C-G. GRCh37 (hg19) VCF-style: chr16-2134591-C-G.
Other names: c.3570C>G, p.Leu1190= (NM_001406686.1, NM_001406685.1); c.3567C>G, p.Leu1189= (NM_001406687.1, NM_001406688.1); c.2955C>G, p.Leu985= (NM_001406689.1); c.2895C>G, p.Leu965= (NM_001406690.1); c.2892C>G, p.Leu964= (NM_001406691.1); c.2826C>G, p.Leu942= (NM_001406692.1, NM_001406693.1, NM_001406694.1); c.2823C>G, p.Leu941= (NM_001406695.1, NM_001406696.1, NM_001406697.1); c.2565C>G, p.Leu855= (NM_001406698.1); and 26 more.
Identifiers: ClinVar variation 2805182 (VCV002805182.5), dbSNP rs1555514397, ClinGen allele CA493043490.
Genomic context (GRCh38, chr16:2,084,590, plus strand): 5'-CAGTCGGGGCCAGCCCGAGGGTCCCTTGCCTTCCAGCTCCCCCCGCTCGCCCAGTGGCCT[C>G]CGGCCCCGAGGTTACACCATCTCCGACTCGGCCCCATCACGCAGGGGCAAGAGAGTAGAG-3'
Protein context (NP_000539.2, residues 1446-1466): PSSSPRSPSG[Leu1456=]RPRGYTISDS

ClinVar aggregate classification (germline): Benign/Likely benign. Review status: criteria provided, multiple submitters, no conflicts (2 of 4 stars). 3 submissions from 3 submitters: Benign (1); Likely benign (2). Last evaluated 2025-06-03.

Conditions:
Hereditary cancer-predisposing syndrome. Also called: Hereditary Cancer Syndrome; Hereditary neoplastic syndrome; Neoplastic Syndromes, Hereditary; Tumor predisposition. Identifiers: Orphanet 140162, MedGen C0027672, MeSH D009386, MONDO:0015356.
Tuberous sclerosis 2 (TSC2). Identifiers: Orphanet 805, MedGen C1860707, MONDO:0013199, OMIM 613254.

Submissions (3):

Myriad Genetics, Inc.
Classification: Benign for Tuberous sclerosis 2. Last evaluated: 2025-06-03. Review status: criteria provided, single submitter. Criteria: Myriad Autosomal Dominant, Autosomal Recessive and X-Linked Classification Criteria (2023). Collection method: clinical testing. Allele origin: unknown.
Comment: This variant is considered benign. This variant is a silent/synonymous amino acid change and it is not expected to impact splicing.

Labcorp Genetics (formerly Invitae), Labcorp
Classification: Likely benign for Tuberous sclerosis 2. Last evaluated: 2025-02-13. Review status: criteria provided, single submitter. Criteria: Invitae Variant Classification Sherloc (09022015). Collection method: clinical testing. Allele origin: germline.

Ambry Genetics
Classification: Likely benign for Hereditary cancer-predisposing syndrome. Last evaluated: 2024-12-21. Review status: criteria provided, single submitter. Criteria: Ambry Variant Classification Scheme 2023. Collection method: clinical testing. Allele origin: germline.